The following is an entry in ClinVar:

ClinVar aggregate classification (germline): Uncertain significance (1 of 4 stars; one submission).

Conditions:
Mucopolysaccharidosis, MPS-III-C (MPS3C). Also called: SANFILIPPO SYNDROME C; MPS III C; mucopolysaccharidosis type 3C; MUCOPOLYSACCHARIDOSIS, TYPE IIIC; MPS IIIC (Sanfilippo Syndrome Type C); Mucopolysaccharidosis type IIIC (Sanfilippo C). Identifiers: Orphanet 581, Orphanet 79271, MedGen C0086649, MONDO:0009657, OMIM 252930.
Retinitis pigmentosa 73 (RP73). Identifiers: Orphanet 791, MedGen C4225287, MONDO:0014687, OMIM 616544.

Allele frequency attached by ClinVar (database versions not stated): gnomAD exomes below 0.00001.
gnomAD v4.1: 2 of 1,555,150 alleles (0.00013%); highest among the groups gnomAD compares: Admixed American, 0.0041%; no homozygotes.

Submission:

Labcorp Genetics (formerly Invitae), Labcorp
Classification: Uncertain significance for Retinitis pigmentosa 73; Mucopolysaccharidosis, MPS-III-C. Last evaluated: 2022-02-19. Review status: criteria provided, single submitter. Criteria: Invitae Variant Classification Sherloc (09022015). Collection method: clinical testing. Allele origin: germline.
Comment: This sequence change replaces valine, which is neutral and non-polar, with alanine, which is neutral and non-polar, at codon 329 of the HGSNAT protein (p.Val329Ala). This variant is present in population databases (no rsID available, gnomAD 0.009%). This variant has not been reported in the literature in individuals affected with HGSNAT-related conditions. Algorithms developed to predict the effect of missense changes on protein structure and function are either unavailable or do not agree on the potential impact of this missense change (SIFT: "Deleterious"; PolyPhen-2: "Benign"; Align-GVGD: "Class C0"). In summary, the available evidence is currently insufficient to determine the role of this variant in disease. Therefore, it has been classified as a Variant of Uncertain Significance.

NM_152419.3(HGSNAT):c.986T>C (p.Val329Ala)

Gene: HGSNAT (heparan-alpha-glucosaminide N-acetyltransferase; plus strand). Cytogenetic location: 8p11.21.
Variant type: single nucleotide variant.
Coding change: c.986T>C on transcript NM_152419.3 (MANE Select); coding-DNA position 986, T replaced by C.
Protein change: p.Val329Ala; replaces valine 329 with alanine.
Molecular consequence: missense variant. On other transcripts: intron variant (1).
Genome position (GRCh38, 1-based): chr8:43,178,208, T>C. VCF-style: chr8-43178208-T-C. GRCh37 (hg19) VCF-style: chr8-43033351-T-C.
Other names: c.986T>C, p.Val329Ala (NM_001363227.2); c.122T>C, p.Val41Ala (NM_001363229.2); c.821-3937T>C (NM_001363228.2); short protein forms V41A, V329A.
Identifiers: ClinVar variation 2178689 (VCV002178689.1), dbSNP rs1237864552, ClinGen allele CA371117406.